The following is an entry in ClinVar:

ClinVar aggregate classification (germline): Likely pathogenic (1 of 4 stars; one submission).

Conditions:
Complex cortical dysplasia with other brain malformations 7. Identifiers: Orphanet 300573, MedGen C3552236, MONDO:0012399, OMIM 610031.

Submission:

HudsonAlpha Institute for Biotechnology
Classification: Likely pathogenic for Complex cortical dysplasia with other brain malformations 7. Last evaluated: 2021-03-25. Review status: criteria provided, single submitter. Criteria: ACMG Guidelines, 2015. Collection method: research. Allele origin: de novo. Affected: yes. Observed: 1 variant allele. Study: CSER-SouthSeq.
Comment: ACMG codes:PS2; PM2; PP2; PP3

NM_178012.5(TUBB2B):c.1162A>C (p.Met388Leu)

Gene: TUBB2B (tubulin beta 2B class IIb; minus strand). Cytogenetic location: 6p25.2.
Variant type: single nucleotide variant.
Coding change: c.1162A>C on transcript NM_178012.5 (MANE Select); coding-DNA position 1162, A replaced by C.
Protein change: p.Met388Leu; replaces methionine 388 with leucine.
Molecular consequence: missense variant.
Genome position (GRCh38, 1-based): chr6:3,224,927, T>G on the plus strand (A>C on the coding strand, the complement: TUBB2B is on the minus strand). VCF-style: chr6-3224927-T-G. GRCh37 (hg19) VCF-style: chr6-3225161-T-G.
Other names: short protein forms M388L.
Identifiers: ClinVar variation 1048606 (VCV001048606.1), dbSNP rs2113818913, ClinGen allele CA362585137.